The following is an entry in ClinVar:

NM_005458.8(GABBR2):c.926C>T (p.Ala309Val)

Gene: GABBR2 (gamma-aminobutyric acid type B receptor subunit 2; minus strand). Cytogenetic location: 9q22.33.
Variant type: single nucleotide variant.
Coding change: c.926C>T on transcript NM_005458.8 (MANE Select); coding-DNA position 926, C replaced by T.
Protein change: p.Ala309Val; replaces alanine 309 with valine.
Molecular consequence: missense variant.
Genome position (GRCh38, 1-based): chr9:98,473,219, G>A on the plus strand (C>T on the coding strand, the complement: GABBR2 is on the minus strand). VCF-style: chr9-98473219-G-A. GRCh37 (hg19) VCF-style: chr9-101235501-G-A.
Other names: short protein forms A309V.
Identifiers: ClinVar variation 3772085 (VCV003772085.13).
Genomic context (GRCh38, chr9:98,473,219, plus strand): 5'-GTCTTGATCTGCTTGGAGCTCAGGGGCTCGAAATCCACGCCAATGTAGCCCTCCATGGCA[G>A]CAAGCAGATTCTTCCGGAGGCAGCGGGATGAGTTGGCTTCCGTGTGCACCTGCTCCCACC-3'
Protein context (NP_005449.5, residues 299-319): SSRCLRKNLL[Ala309Val]AMEGYIGVDF

ClinVar aggregate classification (germline): Uncertain significance (1 of 4 stars; one submission).

gnomAD v4.1: 1 of 1,613,884 alleles (0.000062%); no homozygotes.

Submission:

CeGaT Center for Human Genetics Tuebingen
Classification: Uncertain significance. Last evaluated: 2024-12-01. Review status: criteria provided, single submitter. Criteria: CeGaT Center For Human Genetics Tuebingen Variant Classification Criteria Version 2. Collection method: clinical testing. Allele origin: germline. Affected: yes. Observed: 1 variant allele.
Comment: GABBR2: PM2:Supporting, BP4